The following is an entry in ClinVar:

ClinVar aggregate classification (germline): Uncertain significance (1 of 4 stars; one submission).

Conditions:
Inborn genetic diseases. Identifiers: MedGen C0950123, MeSH D030342.

Submission:

Ambry Genetics
Classification: Uncertain significance for Inborn genetic diseases. Last evaluated: 2025-12-16. Review status: criteria provided, single submitter. Criteria: Ambry Variant Classification Scheme 2023. Collection method: clinical testing. Allele origin: germline.
Comment: The p.G147A variant (also known as c.440G>C), located in coding exon 1 of the WT1 gene, results from a G to C substitution at nucleotide position 440. The glycine at codon 147 is replaced by alanine, an amino acid with similar properties. This amino acid position is conserved. In addition, this alteration is predicted to be tolerated by in silico analysis. Based on the available evidence, the clinical significance of this variant remains unclear.

NM_024426.6(WT1):c.455G>C (p.Gly152Ala)

Genes: WT1 (WT1 transcription factor; minus strand), LOC107982234 (WT1/WT1-AS bi-directional promoter region; plus strand). Cytogenetic location: 11p13.
Variant type: single nucleotide variant.
Coding change: c.455G>C on transcript NM_024426.6 (MANE Select); coding-DNA position 455, G replaced by C.
Protein change: p.Gly152Ala; replaces glycine 152 with alanine.
Molecular consequence: missense variant. On other transcripts: non-coding transcript variant (2).
Genome position (GRCh38, 1-based): chr11:32,434,906, C>G on the plus strand (G>C on the coding strand, the complement: WT1 is on the minus strand). VCF-style: chr11-32434906-C-G. GRCh37 (hg19) VCF-style: chr11-32456452-C-G.
Other names: c.455G>C, p.Gly152Ala (NM_000378.6, NM_001407044.1, NM_001407045.1 and 6 more transcripts); c.236G>C, p.Gly79Ala (NM_001429031.1, NM_001429032.1, NM_001429033.1 and 1 more transcripts); short protein forms G147A, G152A, G79A.
Identifiers: ClinVar variation 4843797 (VCV004843797.1).